The following is an entry in ClinVar:

NM_020779.4(WDR35):c.*1479C>T

Gene: WDR35 (WD repeat domain 35; minus strand). Cytogenetic location: 2p24.1.
Variant type: single nucleotide variant.
Coding change: c.*1479C>T on transcript NM_020779.4 (MANE Select); 1479 bases downstream of the stop codon, C replaced by T.
Molecular consequence: 3 prime UTR variant.
Genome position (GRCh38, 1-based): chr2:19,912,079, G>A on the plus strand (C>T on the coding strand, the complement: WDR35 is on the minus strand). VCF-style: chr2-19912079-G-A. GRCh37 (hg19) VCF-style: chr2-20111840-G-A.
Other names: c.*1479C>T (NM_001006657.2).
Identifiers: ClinVar variation 333346 (VCV000333346.5), dbSNP rs77400381, ClinGen allele CA10612295.

ClinVar aggregate classification (germline): Benign. Review status: criteria provided, single submitter (1 of 4 stars). 2 submissions from 1 submitter: Benign (2). Last evaluated 2018-01-12.

Conditions:
Short-rib thoracic dysplasia 7 with or without polydactyly (SRTD7). Also called: Short rib polydactyly syndrome 5; SHORT-RIB THORACIC DYSPLASIA 7 WITH POLYDACTYLY. Identifiers: Orphanet 498497, Orphanet 93271, MedGen C3279792, MONDO:0013569, OMIM 614091.
Cranioectodermal dysplasia 2 (CED2). Identifiers: Orphanet 1515, MedGen C3150874, MONDO:0013323, OMIM 613610.

Allele frequency attached by ClinVar (database versions not stated): gnomAD 0.01665 and 0.01800; 1000 Genomes Project 30x 0.01968; 1000 Genomes Project 0.01837; TOPMed 0.01856.

Submissions (2):

Illumina Laboratory Services, Illumina
Classification: Benign for Short-rib thoracic dysplasia 7 with or without polydactyly. Last evaluated: 2018-01-12. Review status: criteria provided, single submitter. Criteria: ICSL Variant Classification Criteria 13 December 2019. Collection method: clinical testing. Allele origin: germline.
Comment: This variant was observed in the ICSL laboratory as part of a predisposition screen in an ostensibly healthy population. It had not been previously curated by ICSL or reported in the Human Gene Mutation Database (HGMD: prior to June 1st, 2018), and was therefore a candidate for classification through an automated scoring system. Utilizing variant allele frequency, disease prevalence and penetrance estimates, and inheritance mode, an automated score was calculated to assess if this variant is too frequent to cause the disease. Based on the score and internal cut-off values, a variant classified as benign is not then subjected to further curation. The score for this variant resulted in a classification of benign for this disease.

Illumina Laboratory Services, Illumina
Classification: Benign for Cranioectodermal dysplasia 2. Last evaluated: 2018-01-12. Review status: criteria provided, single submitter. Criteria: ICSL Variant Classification Criteria 13 December 2019. Collection method: clinical testing. Allele origin: germline.
Comment: the same text as in the submission from Illumina Laboratory Services, Illumina above.